The following is an entry in ClinVar:

ClinVar aggregate classification (germline): Uncertain significance (1 of 4 stars; one submission).

Conditions:
Neuropathy, hereditary sensory, type 2C. Also called: Hereditary sensory and autonomic neuropathy type IIC; KIF1A-Related HSAN2 (HSAN2C). Identifiers: Orphanet 970, MedGen C3280168, MONDO:0013634, OMIM 614213.
Hereditary spastic paraplegia 30. Identifiers: Orphanet 101010, MedGen C5235139, MONDO:0012476.
Intellectual disability, autosomal dominant 9 (NESCAVS). Also called: NESCAV SYNDROME; KIF1A-Related Neurodevelopmental Disorder. Identifiers: Orphanet 662367, MedGen C5393830, MONDO:0013656, OMIM 614255.

Submission:

Labcorp Genetics (formerly Invitae), Labcorp
Classification: Uncertain significance for Hereditary spastic paraplegia 30; Neuropathy, hereditary sensory, type 2C; Intellectual disability, autosomal dominant 9. Last evaluated: 2023-10-15. Review status: criteria provided, single submitter. Criteria: Invitae Variant Classification Sherloc (09022015). Collection method: clinical testing. Allele origin: germline.
Comment: This sequence change replaces proline, which is neutral and non-polar, with leucine, which is neutral and non-polar, at codon 292 of the KIF1A protein (p.Pro292Leu). This variant is not present in population databases (gnomAD no frequency). This variant has not been reported in the literature in individuals affected with KIF1A-related conditions. Advanced modeling of protein sequence and biophysical properties (such as structural, functional, and spatial information, amino acid conservation, physicochemical variation, residue mobility, and thermodynamic stability) performed at Invitae indicates that this missense variant is expected to disrupt KIF1A protein function. In summary, the available evidence is currently insufficient to determine the role of this variant in disease. Therefore, it has been classified as a Variant of Uncertain Significance.

NM_001244008.2(KIF1A):c.875C>T (p.Pro292Leu)

Gene: KIF1A (kinesin family member 1A; minus strand). Cytogenetic location: 2q37.3.
Variant type: single nucleotide variant.
Coding change: c.875C>T on transcript NM_001244008.2 (MANE Select); coding-DNA position 875, C replaced by T.
Protein change: p.Pro292Leu; replaces proline 292 with leucine.
Molecular consequence: missense variant.
Genome position (GRCh38, 1-based): chr2:240,782,597, G>A on the plus strand (C>T on the coding strand, the complement: KIF1A is on the minus strand). VCF-style: chr2-240782597-G-A. GRCh37 (hg19) VCF-style: chr2-241722014-G-A.
Other names: c.875C>T, p.Pro292Leu (NM_001320705.2, NM_001330289.2, NM_001330290.2 and 21 more transcripts); short protein forms P292L.
Identifiers: ClinVar variation 2922536 (VCV002922536.3), dbSNP rs2538238870, ClinGen allele CA351301547.